The following is an entry in ClinVar:

NC_000023.10:g.(?_8501036)_(8591731_?)del

Gene: ANOS1 (anosmin 1; minus strand). Cytogenetic location: Xp22.31.
Variant type: Deletion.
Identifiers: ClinVar variation 1390065 (VCV001390065.6).

ClinVar aggregate classification (germline): Pathogenic (1 of 4 stars; one submission).

Conditions:
Hypogonadotropic hypogonadism 1 with or without anosmia (HH1). Also called: Kallmann syndrome, type 1, X-linked; DYSPLASIA OLFACTOGENITALIS OF DE MORSIER; Hypogonadotropic hypogonadism 1 with or without anosmia (Kallmann syndrome 1); HYPOGONADOTROPIC HYPOGONADISM 1 WITH ANOSMIA; KAL1-Related GnRH Deficiency (Kallmann Syndrome 1; Kallmann Syndrome, X-Linked); HYPOGONADOTROPIC HYPOGONADISM AND ANOSMIA. Identifiers: Orphanet 478, MedGen C1563719, MONDO:0010635, OMIM 308700. Disease mechanism: loss of function.

Submission:

Labcorp Genetics (formerly Invitae), Labcorp
Classification: Pathogenic for Hypogonadotropic hypogonadism 1 with or without anosmia. Last evaluated: 2021-06-18. Review status: criteria provided, single submitter. Criteria: Invitae Variant Classification Sherloc (09022015). Collection method: clinical testing. Allele origin: germline.
Comment: For these reasons, this variant has been classified as Pathogenic. This variant disrupts the C-terminus of the ANOS1 protein. Other variant(s) that disrupt this region (p.Pro622Alafs*45) have been determined to be pathogenic (Invitae). This suggests that variants that disrupt this region of the protein are likely to be causative of disease. This variant has been observed in individual(s) with Kallman syndrome (PMID: 23721716). This variant is a gross deletion of the genomic region encompassing exon(s) 3-14 of the ANOS1 gene. The 5' boundary is likely confined to intron 2. The 3' end of this event is unknown as it extends through the termination codon beyond the assayed region for this gene and may encompass additional genes. While this deletion is not anticipated to lead to nonsense mediated decay, it is expected to alter mRNA translation or result in a truncated protein product.

Literature cited by the submitters: PubMed 23721716.